The following is an entry in ClinVar:

NM_003722.5(TP63):c.934T>G (p.Cys312Gly)

Gene: TP63 (tumor protein p63; plus strand). Cytogenetic location: 3q28.
Variant type: single nucleotide variant.
Coding change: c.934T>G on transcript NM_003722.5 (MANE Select); coding-DNA position 934, T replaced by G.
Protein change: p.Cys312Gly; replaces cysteine 312 with glycine.
Molecular consequence: missense variant.
Genome position (GRCh38, 1-based): chr3:189,867,884, T>G. VCF-style: chr3-189867884-T-G. GRCh37 (hg19) VCF-style: chr3-189585673-T-G.
Other names: c.934T>G, p.Cys312Gly (NM_001114978.2, NM_001114979.2, NM_001329144.2 and 1 more transcripts); c.652T>G, p.Cys218Gly (NM_001114980.2, NM_001114981.2, NM_001114982.2 and 2 more transcripts); c.397T>G, p.Cys133Gly (NM_001329146.2, NM_001329150.2); c.928T>G, p.Cys310Gly (NM_001329964.2); short protein forms C133G, C218G, C310G, C312G.
Identifiers: ClinVar variation 1711583 (VCV001711583.30), dbSNP rs2474609185, ClinGen allele CA355754954.
Genomic context (GRCh38, chr3:189,867,884, plus strand): 5'-TGTTTTCAGGTTGGCACTGAATTCACGACAGTCTTGTACAATTTCATGTGTAACAGCAGT[T>G]GTGTTGGAGGGATGAACCGCCGTCCAATTTTAATCATTGTTACTCTGGAAACCAGAGAGT-3'
Protein context (NP_003713.3, residues 302-322): VLYNFMCNSS[Cys312Gly]VGGMNRRPIL

ClinVar aggregate classification (germline): Likely pathogenic (1 of 4 stars; one submission).

Submission:

CeGaT Center for Human Genetics Tuebingen
Classification: Likely pathogenic. Last evaluated: 2022-08-01. Review status: criteria provided, single submitter. Criteria: CeGaT Center For Human Genetics Tuebingen Variant Classification Criteria Version 2. Collection method: clinical testing. Allele origin: germline. Affected: yes. Observed: 1 variant allele.
Comment: TP63: PM1, PM2, PM5, PS2:Moderate, PP3